The following is an entry in ClinVar:

ClinVar aggregate classification (germline): Uncertain significance (1 of 4 stars; one submission).

Submission:

Labcorp Genetics (formerly Invitae), Labcorp
Classification: Uncertain significance. Last evaluated: 2022-06-14. Review status: criteria provided, single submitter. Criteria: Invitae Variant Classification Sherloc (09022015). Collection method: clinical testing. Allele origin: germline.
Comment: This sequence change replaces asparagine, which is neutral and polar, with aspartic acid, which is acidic and polar, at codon 194 of the SIX2 protein (p.Asn194Asp). This variant is not present in population databases (gnomAD no frequency). This variant has not been reported in the literature in individuals affected with SIX2-related conditions. Algorithms developed to predict the effect of missense changes on protein structure and function (SIFT, PolyPhen-2, Align-GVGD) all suggest that this variant is likely to be tolerated. In summary, the available evidence is currently insufficient to determine the role of this variant in disease. Therefore, it has been classified as a Variant of Uncertain Significance.

NM_016932.5(SIX2):c.580A>G (p.Asn194Asp)

Gene: SIX2 (SIX homeobox 2; minus strand). Cytogenetic location: 2p21.
Variant type: single nucleotide variant.
Coding change: c.580A>G on transcript NM_016932.5 (MANE Select); coding-DNA position 580, A replaced by G.
Protein change: p.Asn194Asp; replaces asparagine 194 with aspartic acid.
Molecular consequence: missense variant.
Genome position (GRCh38, 1-based): chr2:45,006,466, T>C on the plus strand (A>G on the coding strand, the complement: SIX2 is on the minus strand). VCF-style: chr2-45006466-T-C. GRCh37 (hg19) VCF-style: chr2-45233605-T-C.
Other names: short protein forms N194D.
Identifiers: ClinVar variation 1949132 (VCV001949132.5), dbSNP rs2466626652, ClinGen allele CA346801412.